The following is an entry in ClinVar:

NM_015272.5(RPGRIP1L):c.1732C>T (p.Gln578Ter)

Gene: RPGRIP1L (RPGRIP1 like; minus strand). Cytogenetic location: 16q12.2.
Variant type: single nucleotide variant.
Coding change: c.1732C>T on transcript NM_015272.5 (MANE Select); coding-DNA position 1732, C replaced by T.
Protein change: p.Gln578Ter; replaces glutamine 578 with a stop codon.
Molecular consequence: nonsense.
Genome position (GRCh38, 1-based): chr16:53,652,955, G>A on the plus strand (C>T on the coding strand, the complement: RPGRIP1L is on the minus strand). VCF-style: chr16-53652955-G-A. GRCh37 (hg19) VCF-style: chr16-53686867-G-A.
Other names: c.1732C>T, p.Gln578Ter (NM_001127897.4, NM_001308334.3, NM_001330538.2); short protein forms Q578*.
Identifiers: ClinVar variation 2926558 (VCV002926558.3), dbSNP rs2544213172, ClinGen allele CA395917451.

ClinVar aggregate classification (germline): Pathogenic (1 of 4 stars; one submission).

Conditions:
Joubert syndrome. Also called: CEREBELLOPARENCHYMAL DISORDER IV; JOUBERT-BOLTSHAUSER SYNDROME; Familial aplasia of the vermis. Identifiers: Orphanet 475, MedGen C5979921, MONDO:0018772.
Meckel-Gruber syndrome. Also called: DYSENCEPHALIA SPLANCHNOCYSTICA; GRUBER SYNDROME; Dysencephalia splachnocystica. Identifiers: Orphanet 564, MedGen C0265215, MONDO:0018921.

Submission:

Labcorp Genetics (formerly Invitae), Labcorp
Classification: Pathogenic for Joubert syndrome; Meckel-Gruber syndrome. Last evaluated: 2025-05-12. Review status: criteria provided, single submitter. Criteria: Invitae Variant Classification Sherloc (09022015). Collection method: clinical testing. Allele origin: germline.
Comment: This sequence change creates a premature translational stop signal (p.Gln578*) in the RPGRIP1L gene. It is expected to result in an absent or disrupted protein product. Loss-of-function variants in RPGRIP1L are known to be pathogenic (PMID: 17558409). This variant is not present in population databases (gnomAD no frequency). This variant has not been reported in the literature in individuals affected with RPGRIP1L-related conditions. ClinVar contains an entry for this variant (Variation ID: 2926558). For these reasons, this variant has been classified as Pathogenic.

Literature cited by the submitters: PubMed 17558409.